The following is an entry in ClinVar:

NM_198253.3(TERT):c.1861C>A (p.Leu621Ile)

Gene: TERT (telomerase reverse transcriptase; minus strand). Cytogenetic location: 5p15.33.
Variant type: single nucleotide variant.
Coding change: c.1861C>A on transcript NM_198253.3 (MANE Select); coding-DNA position 1861, C replaced by A.
Protein change: p.Leu621Ile; replaces leucine 621 with isoleucine.
Molecular consequence: missense variant. On other transcripts: non-coding transcript variant (2).
Genome position (GRCh38, 1-based): chr5:1,280,247, G>T on the plus strand (C>A on the coding strand, the complement: TERT is on the minus strand). VCF-style: chr5-1280247-G-T. GRCh37 (hg19) VCF-style: chr5-1280362-G-T.
Other names: c.1861C>A, p.Leu621Ile (NM_001193376.3, NM_003219.1); short protein forms L621I.
Identifiers: ClinVar variation 2158174 (VCV002158174.5), dbSNP rs900057780, ClinGen allele CA112950325.

ClinVar aggregate classification (germline): Uncertain significance. Review status: criteria provided, multiple submitters, no conflicts (2 of 4 stars). 2 submissions from 2 submitters: Uncertain significance (2). Last evaluated 2025-02-18.

Conditions:
Idiopathic Pulmonary Fibrosis. Also called: Idiopathic fibrosing alveolitis, chronic form; idiopathic fibrosing alveolitis. Identifiers: Orphanet 2032, MedGen C1800706, MeSH D054990, MONDO:0800504.
Dyskeratosis congenita, autosomal dominant 2. Identifiers: MedGen C3151443, MONDO:0013521, OMIM 613989.
Dyskeratosis congenita. Identifiers: Orphanet 1775, MedGen C0265965, MONDO:0015780.

Submissions (2):

Labcorp Genetics (formerly Invitae), Labcorp
Classification: Uncertain significance for Dyskeratosis congenita, autosomal dominant 2; Idiopathic Pulmonary Fibrosis. Last evaluated: 2025-02-18. Review status: criteria provided, single submitter. Criteria: Invitae Variant Classification Sherloc (09022015). Collection method: clinical testing. Allele origin: germline.
Comment: This sequence change replaces leucine, which is neutral and non-polar, with isoleucine, which is neutral and non-polar, at codon 621 of the TERT protein (p.Leu621Ile). This variant is not present in population databases (gnomAD no frequency). This variant has not been reported in the literature in individuals affected with TERT-related conditions. ClinVar contains an entry for this variant (Variation ID: 2158174). Invitae Evidence Modeling of protein sequence and biophysical properties (such as structural, functional, and spatial information, amino acid conservation, physicochemical variation, residue mobility, and thermodynamic stability) indicates that this missense variant is expected to disrupt TERT protein function with a positive predictive value of 95%. In summary, the available evidence is currently insufficient to determine the role of this variant in disease. Therefore, it has been classified as a Variant of Uncertain Significance.

Ambry Genetics
Classification: Uncertain significance for Dyskeratosis congenita. Last evaluated: 2023-10-15. Review status: criteria provided, single submitter. Criteria: Ambry Variant Classification Scheme 2023. Collection method: clinical testing. Allele origin: germline.
Comment: The p.L621I variant (also known as c.1861C>A), located in coding exon 4 of the TERT gene, results from a C to A substitution at nucleotide position 1861. The leucine at codon 621 is replaced by isoleucine, an amino acid with highly similar properties. This amino acid position is conserved. In addition, the in silico prediction for this alteration is inconclusive. Since supporting evidence is limited at this time, the clinical significance of this alteration remains unclear.